The following is an entry in ClinVar:

NM_015910.7(WDPCP):c.214G>A (p.Glu72Lys)

Gene: WDPCP (WD repeat containing planar cell polarity effector; minus strand). Cytogenetic location: 2p15.
Variant type: single nucleotide variant.
Coding change: c.214G>A on transcript NM_015910.7 (MANE Select); coding-DNA position 214, G replaced by A.
Protein change: p.Glu72Lys; replaces glutamic acid 72 with lysine.
Molecular consequence: missense variant. On other transcripts: non-coding transcript variant (2).
Genome position (GRCh38, 1-based): chr2:63,486,581, C>T on the plus strand (G>A on the coding strand, the complement: WDPCP is on the minus strand). VCF-style: chr2-63486581-C-T. GRCh37 (hg19) VCF-style: chr2-63713715-C-T.
Other names: c.142G>A, p.Glu48Lys (NM_001354044.2); c.214G>A, p.Glu72Lys (NM_001354045.2); short protein forms E48K, E72K.
Identifiers: ClinVar variation 3348894 (VCV003348894.1).

ClinVar aggregate classification (germline): Uncertain significance (0 of 4 stars; one submission).

Conditions:
WDPCP-related disorder. Also called: WDPCP-related condition.

Submission:

PreventionGenetics, part of Exact Sciences
Classification: Uncertain significance for WDPCP-related condition. Last evaluated: 2023-10-19. Review status: no assertion criteria provided. Collection method: clinical testing. Allele origin: germline.
Comment: The WDPCP c.214G>A variant is predicted to result in the amino acid substitution p.Glu72Lys. To our knowledge, this variant has not been reported in the literature or in a large population database, indicating this variant is rare. At this time, the clinical significance of this variant is uncertain due to the absence of conclusive functional and genetic evidence.